The following is an entry in ClinVar:

ClinVar aggregate classification (germline): Uncertain significance (1 of 4 stars; one submission).

gnomAD v4.1: 3 of 1,612,538 alleles (0.00019%); highest among the groups gnomAD compares: Admixed American, 0.005%; no homozygotes.

Submission:

Labcorp Genetics (formerly Invitae), Labcorp
Classification: Uncertain significance. Last evaluated: 2023-11-06. Review status: criteria provided, single submitter. Criteria: Invitae Variant Classification Sherloc (09022015). Collection method: clinical testing. Allele origin: germline.
Comment: This sequence change replaces isoleucine, which is neutral and non-polar, with methionine, which is neutral and non-polar, at codon 1657 of the USH2A protein (p.Ile1657Met). This variant is present in population databases (rs756177409, gnomAD 0.006%). This variant has not been reported in the literature in individuals affected with USH2A-related conditions. ClinVar contains an entry for this variant (Variation ID: 1411974). Advanced modeling of protein sequence and biophysical properties (such as structural, functional, and spatial information, amino acid conservation, physicochemical variation, residue mobility, and thermodynamic stability) performed at Invitae indicates that this missense variant is not expected to disrupt USH2A protein function with a negative predictive value of 95%. In summary, the available evidence is currently insufficient to determine the role of this variant in disease. Therefore, it has been classified as a Variant of Uncertain Significance.

NM_206933.4(USH2A):c.4971C>G (p.Ile1657Met)

Genes: USH2A (usherin; minus strand), USH2A-AS2 (USH2A antisense RNA 2; plus strand). Cytogenetic location: 1q41.
Variant type: single nucleotide variant.
Coding change: c.4971C>G on transcript NM_206933.4 (MANE Select); coding-DNA position 4971, C replaced by G.
Protein change: p.Ile1657Met; replaces isoleucine 1657 with methionine.
Molecular consequence: missense variant. On other transcripts: non-coding transcript variant (2).
Genome position (GRCh38, 1-based): chr1:216,086,735, G>C on the plus strand (C>G on the coding strand, the complement: USH2A is on the minus strand). VCF-style: chr1-216086735-G-C. GRCh37 (hg19) VCF-style: chr1-216260077-G-C.
Other names: short protein forms I1657M.
Identifiers: ClinVar variation 1411974 (VCV001411974.8), dbSNP rs756177409, ClinGen allele CA1395579.
Genomic context (GRCh38, chr1:216,086,735, plus strand): 5'-TCTAAGTTTGGATGACAACATATAATATACCTTACTAAACTCACCAGGATCCTTCCTGAG[G>C]ATGGTATAACTTCGCGGGAGCCCTCCCAGAAAGACTCCTGTGTTATCTCCAATAACAGTA-3'
Protein context (NP_996816.3, residues 1647-1667): FLGGLPRSYT[Ile1657Met]LRKDPEIIQK